The following is an entry in ClinVar:

NM_000127.3(EXT1):c.852T>A (p.Tyr284Ter)

Gene: EXT1 (exostosin glycosyltransferase 1; minus strand). Cytogenetic location: 8q24.11.
Variant type: single nucleotide variant.
Coding change: c.852T>A on transcript NM_000127.3 (MANE Select); coding-DNA position 852, T replaced by A.
Protein change: p.Tyr284Ter; replaces tyrosine 284 with a stop codon.
Molecular consequence: nonsense.
Genome position (GRCh38, 1-based): chr8:118,110,195, A>T on the plus strand (T>A on the coding strand, the complement: EXT1 is on the minus strand). VCF-style: chr8-118110195-A-T. GRCh37 (hg19) VCF-style: chr8-119122434-A-T.
Other names: short protein forms Y284*.
Identifiers: ClinVar variation 379472 (VCV000379472.9), dbSNP rs1057520608, ClinGen allele CA16605945.

ClinVar aggregate classification (germline): Pathogenic/Likely pathogenic. Review status: criteria provided, multiple submitters, no conflicts (2 of 4 stars). 2 submissions from 2 submitters: Pathogenic (1); Likely pathogenic (1). Last evaluated 2026-07-21.

Conditions:
Multiple congenital exostosis (EXT). Also called: Multiple exostoses; Hereditary multiple exostoses; Hereditary multiple exostosis; Multiple osteochondromas; MULTIPLE CARTILAGINOUS EXOSTOSES; Hereditary multiple osteochondromas. Identifiers: Orphanet 321, MedGen C0015306, MONDO:0005508, HP:0002762.

Submissions (2):

GeneDx
Classification: Likely pathogenic. Last evaluated: 2026-07-21. Review status: criteria provided, single submitter. Criteria: GeneDx Variant Classification Process June 2021. Collection method: clinical testing. Allele origin: germline.
Comment: Nonsense variant predicted to result in protein truncation or nonsense mediated decay in a gene for which loss of function is a known mechanism of disease; Not observed at significant frequency in large population cohorts (gnomAD); Has not been previously published as pathogenic or benign to our knowledge

Labcorp Genetics (formerly Invitae), Labcorp
Classification: Pathogenic for Multiple congenital exostosis. Last evaluated: 2025-09-29. Review status: criteria provided, single submitter. Criteria: Invitae Variant Classification Sherloc (09022015). Collection method: clinical testing. Allele origin: germline.
Comment: This sequence change creates a premature translational stop signal (p.Tyr284*) in the EXT1 gene. It is expected to result in an absent or disrupted protein product. Loss-of-function variants in EXT1 are known to be pathogenic (PMID: 10679937, 11391482, 19810120). This variant is not present in population databases (gnomAD no frequency). This variant has not been reported in the literature in individuals affected with EXT1-related conditions. ClinVar contains an entry for this variant (Variation ID: 379472). For these reasons, this variant has been classified as Pathogenic.

Literature cited by the submitters: PubMed 10679937 (cited by Labcorp Genetics (formerly Invitae), Labcorp); PubMed 11391482 (cited by Labcorp Genetics (formerly Invitae), Labcorp); PubMed 19810120 (cited by Labcorp Genetics (formerly Invitae), Labcorp).